The following is an entry in ClinVar:

NM_002397.5(MEF2C):c.780dup (p.Pro261fs)

Gene: MEF2C (myocyte enhancer factor 2C; minus strand). Cytogenetic location: 5q14.3.
Variant type: Duplication.
Coding change: c.780dup on transcript NM_002397.5 (MANE Select); coding-DNA position 780, one base duplicated (A; older notation c.780dupA).
Protein change: p.Pro261fs; shifts the reading frame from proline 261.
Molecular consequence: frameshift variant.
Genome position (GRCh38, 1-based): chr5:88,731,759, T duplicated on the plus strand (A on the coding strand, the reverse complement: MEF2C is on the minus strand). VCF-style (leftmost placement, unchanged base first): chr5-88731758-G-GT. GRCh37 (hg19) VCF-style: chr5-88027575-G-GT.
Other names: c.774dup, p.Pro259fs (NM_001131005.2, NM_001364343.2, NM_001364352.2); c.834dup, p.Pro279fs (NM_001193347.1, NM_001364338.2); c.636dup, p.Pro213fs (NM_001193348.1, NM_001193349.3, NM_001364332.2 and 3 more transcripts); c.780dup, p.Pro261fs (NM_001193350.2, NM_001308002.3, NM_001363581.2 and 18 more transcripts); c.402dup, p.Pro135fs (NM_001364353.2, NM_001364356.2); c.354dup, p.Pro119fs (NM_001364357.2); c.780dupA (NM_002397.4); short protein forms P135fs, P259fs, P279fs, P119fs, P213fs, P261fs.
Identifiers: ClinVar variation 570908 (VCV000570908.7), dbSNP rs1561697465, ClinGen allele CA891843147.
Genomic context (GRCh38, chr5:88,731,758, plus strand): 5'-AATATTTATTTAAAATGTAGTTTTGTATTACCACTGATGGCATCGTATTCTTGCTGCCTG[G>GT]TGGAATAAGAACTCGGAGATCTGGTTTACGGTTATTCATTCCTAAATTCATTGGGGGAGG-3'

ClinVar aggregate classification (germline): Pathogenic (1 of 4 stars; one submission).

Conditions:
Neurodevelopmental disorder with hypotonia, stereotypic hand movements, and impaired language. Also called: Intellectual disability, autosomal dominant 20. Identifiers: Orphanet 228384, Orphanet 664410, MedGen C3150700, MONDO:0013266, OMIM 613443.

Submission:

Labcorp Genetics (formerly Invitae), Labcorp
Classification: Pathogenic for Neurodevelopmental disorder with hypotonia, stereotypic hand movements, and impaired language. Last evaluated: 2018-04-27. Review status: criteria provided, single submitter. Criteria: Invitae Variant Classification Sherloc (09022015). Collection method: clinical testing. Allele origin: germline.
Comment: For these reasons, this variant has been classified as Pathogenic. Loss-of-function variants in MEF2C are known to be pathogenic (PMID: 20513142). This variant has not been reported in the literature in individuals with MEF2C-related disease. This variant is not present in population databases (ExAC no frequency). This sequence change creates a premature translational stop signal (p.Pro261Thrfs*12) in the MEF2C gene. It is expected to result in an absent or disrupted protein product.

Literature cited by the submitters: PubMed 20513142.